The following is an entry in ClinVar:

ClinVar aggregate classification (germline): Uncertain significance (1 of 4 stars; one submission).

Allele frequency attached by ClinVar (database versions not stated): gnomAD exomes below 0.00001.
gnomAD v4.1: 2 of 1,571,904 alleles (0.00013%); highest among the groups gnomAD compares: Non-Finnish European, 0.00017%; no homozygotes.

Submission:

Labcorp Genetics (formerly Invitae), Labcorp
Classification: Uncertain significance. Last evaluated: 2021-11-28. Review status: criteria provided, single submitter. Criteria: Invitae Variant Classification Sherloc (09022015). Collection method: clinical testing. Allele origin: germline.
Comment: In summary, the available evidence is currently insufficient to determine the role of this variant in disease. Therefore, it has been classified as a Variant of Uncertain Significance. Algorithms developed to predict the effect of missense changes on protein structure and function (SIFT, PolyPhen-2, Align-GVGD) all suggest that this variant is likely to be tolerated. This variant has not been reported in the literature in individuals affected with SLC24A1-related conditions. This variant is not present in population databases (gnomAD no frequency). This sequence change replaces lysine, which is basic and polar, with arginine, which is basic and polar, at codon 719 of the SLC24A1 protein (p.Lys719Arg).

NM_004727.3(SLC24A1):c.2156A>G (p.Lys719Arg)

Gene: SLC24A1 (solute carrier family 24 member 1; plus strand). Cytogenetic location: 15q22.31.
Variant type: single nucleotide variant.
Coding change: c.2156A>G on transcript NM_004727.3 (MANE Select); coding-DNA position 2156, A replaced by G.
Protein change: p.Lys719Arg; replaces lysine 719 with arginine.
Molecular consequence: missense variant.
Genome position (GRCh38, 1-based): chr15:65,645,627, A>G. VCF-style: chr15-65645627-A-G. GRCh37 (hg19) VCF-style: chr15-65937965-A-G.
Other names: c.137A>G, p.Lys46Arg (NM_001254740.2); c.2156A>G, p.Lys719Arg (NM_001301031.1); c.2102A>G, p.Lys701Arg (NM_001301032.1, NM_001301033.2); short protein forms K46R, K701R, K719R.
Identifiers: ClinVar variation 1441242 (VCV001441242.6), dbSNP rs2141658931, ClinGen allele CA392897667.